The following is an entry in ClinVar:

ClinVar aggregate classification (germline): Uncertain significance (1 of 4 stars; one submission).

Allele frequency attached by ClinVar (database versions not stated): ExAC 0.00001; gnomAD 0.00001; TOPMed 0.00002; gnomAD exomes 0.00003.
gnomAD v4.1: 42 of 1,607,962 alleles (0.0026%); highest among the groups gnomAD compares: Non-Finnish European, 0.0036%; no homozygotes.

Submission:

Labcorp Genetics (formerly Invitae), Labcorp
Classification: Uncertain significance. Last evaluated: 2022-07-30. Review status: criteria provided, single submitter. Criteria: Invitae Variant Classification Sherloc (09022015). Collection method: clinical testing. Allele origin: germline.
Comment: This sequence change falls in intron 9 of the MCM3AP gene. It does not directly change the encoded amino acid sequence of the MCM3AP protein. It affects a nucleotide within the consensus splice site. This variant is present in population databases (rs752127172, gnomAD 0.0009%). This variant has not been reported in the literature in individuals affected with MCM3AP-related conditions. Variants that disrupt the consensus splice site are a relatively common cause of aberrant splicing (PMID: 17576681, 9536098). Algorithms developed to predict the effect of sequence changes on RNA splicing suggest that this variant may disrupt the consensus splice site. In summary, the available evidence is currently insufficient to determine the role of this variant in disease. Therefore, it has been classified as a Variant of Uncertain Significance.

Literature cited by the submitters: PubMed 17576681; PubMed 9536098.

NM_003906.5(MCM3AP):c.2628+4A>C

Gene: MCM3AP (minichromosome maintenance complex component 3 associated protein; minus strand). Cytogenetic location: 21q22.3.
Variant type: single nucleotide variant.
Coding change: c.2628+4A>C on transcript NM_003906.5 (MANE Select); 4 bases into the intron after coding-DNA position 2628, A replaced by C.
Molecular consequence: intron variant.
Genome position (GRCh38, 1-based): chr21:46,270,397, T>G on the plus strand (A>C on the coding strand, the complement: MCM3AP is on the minus strand). VCF-style: chr21-46270397-T-G. GRCh37 (hg19) VCF-style: chr21-47690311-T-G.
Identifiers: ClinVar variation 2191197 (VCV002191197.1), dbSNP rs752127172, ClinGen allele CA10076797.
Genomic context (GRCh38, chr21:46,270,397, plus strand): 5'-CACCCAAACAGCACAAGAACCACCTGCTTTCTTCCAACTCTGCAAGCACAGCTCATTTAC[T>G]CACCTGACTGAAGTAACAGTGTAAAAGACAAGCGTTCAGGTAAGAAGCTGACTGGACCAG-3'